The following is an entry in ClinVar:

NM_001365951.3(KIF1B):c.816T>G (p.Asn272Lys)

Gene: KIF1B (kinesin family member 1B; plus strand). Cytogenetic location: 1p36.22.
Variant type: single nucleotide variant.
Coding change: c.816T>G on transcript NM_001365951.3 (MANE Select); coding-DNA position 816, T replaced by G.
Protein change: p.Asn272Lys; replaces asparagine 272 with lysine.
Molecular consequence: missense variant.
Genome position (GRCh38, 1-based): chr1:10,272,258, T>G. VCF-style: chr1-10272258-T-G. GRCh37 (hg19) VCF-style: chr1-10332316-T-G.
Other names: c.816T>G, p.Asn272Lys (NM_001365952.1, NM_001365953.1, NM_015074.3 and 1 more transcripts); short protein forms N272K.
Identifiers: ClinVar variation 4043113 (VCV004043113.1).

ClinVar aggregate classification (germline): Uncertain significance (1 of 4 stars; one submission).

Submission:

Ambry Genetics
Classification: Uncertain significance. Last evaluated: 2025-04-17. Review status: criteria provided, single submitter. Criteria: Ambry Variant Classification Scheme 2023. Collection method: clinical testing. Allele origin: germline.
Comment: The p.N272K variant (also known as c.816T>G), located in coding exon 8 of the KIF1B gene, results from a T to G substitution at nucleotide position 816. The asparagine at codon 272 is replaced by lysine, an amino acid with similar properties. This amino acid position is conserved. In addition, the in silico prediction for this alteration is inconclusive. Based on the available evidence, the clinical significance of this variant remains unclear.